The following is an entry in ClinVar:

ClinVar aggregate classification (germline): Uncertain significance. Review status: criteria provided, multiple submitters, no conflicts (2 of 4 stars). 3 submissions from 3 submitters: Uncertain significance (3). Last evaluated 2024-10-20.

Conditions:
Hereditary nonpolyposis colorectal neoplasms. Identifiers: MedGen C0009405, MeSH D003123.
Hereditary cancer-predisposing syndrome. Also called: Tumor predisposition; Neoplastic Syndromes, Hereditary; Hereditary neoplastic syndrome; Hereditary Cancer Syndrome. Identifiers: Orphanet 140162, MedGen C0027672, MeSH D009386, MONDO:0015356.

Submissions (3):

Color Diagnostics, LLC DBA Color Health
Classification: Uncertain significance for Hereditary cancer-predisposing syndrome. Last evaluated: 2024-10-20. Review status: criteria provided, single submitter. Criteria: ACMG Guidelines, 2015. Collection method: clinical testing. Allele origin: germline.
Comment: This missense variant replaces lysine with glutamine at codon 1288 of the MSH6 protein. Computational prediction suggests that this variant may have deleterious impact on protein structure and function (internally defined REVEL score threshold >= 0.7, PMID: 27666373). To our knowledge, functional studies have not been reported for this variant. This variant has not been reported in individuals affected with MSH6-related disorders in the literature. This variant has not been identified in the general population by the Genome Aggregation Database (gnomAD). The available evidence is insufficient to determine the role of this variant in disease conclusively. Therefore, this variant is classified as a Variant of Uncertain Significance.

Ambry Genetics
Classification: Uncertain significance for Hereditary cancer-predisposing syndrome. Last evaluated: 2023-10-20. Review status: criteria provided, single submitter. Criteria: Ambry Variant Classification Scheme 2023. Collection method: clinical testing. Allele origin: germline.
Comment: The p.K1288Q variant (also known as c.3862A>C), located in coding exon 9 of the MSH6 gene, results from an A to C substitution at nucleotide position 3862. The lysine at codon 1288 is replaced by glutamine, an amino acid with similar properties. This amino acid position is conserved. In addition, this alteration is predicted to be deleterious by in silico analysis. Since supporting evidence is limited at this time, the clinical significance of this alteration remains unclear.

Labcorp Genetics (formerly Invitae), Labcorp
Classification: Uncertain significance for Hereditary nonpolyposis colorectal neoplasms. Last evaluated: 2021-08-30. Review status: criteria provided, single submitter. Criteria: Invitae Variant Classification Sherloc (09022015). Collection method: clinical testing. Allele origin: germline.
Comment: This sequence change replaces lysine with glutamine at codon 1288 of the MSH6 protein (p.Lys1288Gln). The lysine residue is highly conserved and there is a small physicochemical difference between lysine and glutamine. This variant is not present in population databases (ExAC no frequency). This variant has not been reported in the literature in individuals affected with MSH6-related conditions. Algorithms developed to predict the effect of missense changes on protein structure and function (SIFT, PolyPhen-2, Align-GVGD) all suggest that this variant is likely to be disruptive. In summary, the available evidence is currently insufficient to determine the role of this variant in disease. Therefore, it has been classified as a Variant of Uncertain Significance.

NM_000179.3(MSH6):c.3862A>C (p.Lys1288Gln)

Gene: MSH6 (mutS homolog 6; plus strand). Cytogenetic location: 2p16.3.
Variant type: single nucleotide variant.
Coding change: c.3862A>C on transcript NM_000179.3 (MANE Select); coding-DNA position 3862, A replaced by C.
Protein change: p.Lys1288Gln; replaces lysine 1288 with glutamine.
Molecular consequence: missense variant.
Genome position (GRCh38, 1-based): chr2:47,806,512, A>C. VCF-style: chr2-47806512-A-C. GRCh37 (hg19) VCF-style: chr2-48033651-A-C.
Other names: c.3472A>C, p.Lys1158Gln (NM_001281492.2); c.2956A>C, p.Lys986Gln (NM_001281493.2, NM_001281494.2); c.3862A>C (NM_000179.2); short protein forms K1158Q, K1288Q, K986Q.
Identifiers: ClinVar variation 1019882 (VCV001019882.8), dbSNP rs1670108145, ClinGen allele CA346761333.
Genomic context (GRCh38, chr2:47,806,512, plus strand): 5'-GCATGCATGGTAGAAAATGAATGTGAAGACCCCAGCCAGGAGACTATTACGTTCCTCTAT[A>C]AATTCATTAAGGGAGCTTGTCCTAAAAGCTATGGCTTTAATGCAGCAAGGCTTGCTAATC-3'
Protein context (NP_000170.1, residues 1278-1298): PSQETITFLY[Lys1288Gln]FIKGACPKSY